The following is an entry in ClinVar:

NM_014855.3(AP5Z1):c.318G>A (p.Thr106=)

Gene: AP5Z1 (adaptor related protein complex 5 subunit zeta 1; plus strand). Cytogenetic location: 7p22.1.
Variant type: single nucleotide variant.
Coding change: c.318G>A on transcript NM_014855.3 (MANE Select); coding-DNA position 318, G replaced by A.
Protein change: p.Thr106=; no amino-acid change (threonine 106 retained).
Molecular consequence: synonymous variant. On other transcripts: non-coding transcript variant (1), intron variant (1).
Genome position (GRCh38, 1-based): chr7:4,781,706, G>A. VCF-style: chr7-4781706-G-A. GRCh37 (hg19) VCF-style: chr7-4821337-G-A.
Other names: p.Thr106=; c.-103+394G>A (NM_001364858.1).
Identifiers: ClinVar variation 1083763 (VCV001083763.10), dbSNP rs769266009, ClinGen allele CA4137142.

ClinVar aggregate classification (germline): Likely benign. Review status: criteria provided, multiple submitters, no conflicts (2 of 4 stars). 2 submissions from 2 submitters: Likely benign (2). Last evaluated 2025-02-16.

Conditions:
Hereditary spastic paraplegia 48. Also called: Spastic paraplegia 48; SPASTIC PARAPLEGIA 48, AUTOSOMAL RECESSIVE. Identifiers: Orphanet 306511, MedGen C3150901, MONDO:0013342, OMIM 613647.

Allele frequency attached by ClinVar (database versions not stated): gnomAD exomes 0.00002 and 0.00005; ExAC 0.00003; gnomAD 0.00005; TOPMed 0.00006.
gnomAD v4.1: 85 of 1,585,772 alleles (0.0054%); highest among the groups gnomAD compares: African/African-American, 0.0067%; 1 homozygote.

Submissions (2):

Mayo Clinic Laboratories, Mayo Clinic
Classification: Likely benign. Last evaluated: 2025-02-16. Review status: criteria provided, single submitter. Criteria: ACMG Guidelines, 2015. Collection method: clinical testing. Allele origin: germline. Observed: 1 variant allele.
Comment: BP4, BP7

Labcorp Genetics (formerly Invitae), Labcorp
Classification: Likely benign for Hereditary spastic paraplegia 48. Last evaluated: 2022-07-17. Review status: criteria provided, single submitter. Criteria: Invitae Variant Classification Sherloc (09022015). Collection method: clinical testing. Allele origin: germline.